The following is an entry in ClinVar:

NM_024642.5(GALNT12):c.1678G>A (p.Val560Ile)

Gene: GALNT12 (polypeptide N-acetylgalactosaminyltransferase 12; plus strand). Cytogenetic location: 9q22.33.
Variant type: single nucleotide variant.
Coding change: c.1678G>A on transcript NM_024642.5 (MANE Select); coding-DNA position 1678, G replaced by A.
Protein change: p.Val560Ile; replaces valine 560 with isoleucine.
Molecular consequence: missense variant.
Genome position (GRCh38, 1-based): chr9:98,849,024, G>A. VCF-style: chr9-98849024-G-A. GRCh37 (hg19) VCF-style: chr9-101611306-G-A.
Other names: short protein forms V560I.
Identifiers: ClinVar variation 410573 (VCV000410573.13), dbSNP rs752958995, ClinGen allele CA5154343.

ClinVar aggregate classification (germline): Uncertain significance. Review status: criteria provided, multiple submitters, no conflicts (2 of 4 stars). 2 submissions from 2 submitters: Uncertain significance (2). Last evaluated 2025-06-13.

Allele frequency attached by ClinVar (database versions not stated): gnomAD exomes 0.00001; ExAC 0.00002.
gnomAD v4.1: 15 of 1,614,120 alleles (0.00093%); highest among the groups gnomAD compares: South Asian, 0.0033%; no homozygotes.

Submissions (2):

Ambry Genetics
Classification: Uncertain significance. Last evaluated: 2025-06-13. Review status: criteria provided, single submitter. Criteria: Ambry Variant Classification Scheme 2023. Collection method: clinical testing. Allele origin: germline.
Comment: The p.V560I variant (also known as c.1678G>A), located in coding exon 10 of the GALNT12 gene, results from a G to A substitution at nucleotide position 1678. The valine at codon 560 is replaced by isoleucine, an amino acid with highly similar properties. This amino acid position is poorly conserved in available vertebrate species. In addition, this alteration is predicted to be tolerated by in silico analysis. The evidence for this gene-disease relationship is limited; therefore, the clinical significance of this alteration is unclear.

Labcorp Genetics (formerly Invitae), Labcorp
Classification: Uncertain significance. Last evaluated: 2024-09-10. Review status: criteria provided, single submitter. Criteria: Invitae Variant Classification Sherloc (09022015). Collection method: clinical testing. Allele origin: germline.
Comment: This sequence change replaces valine, which is neutral and non-polar, with isoleucine, which is neutral and non-polar, at codon 560 of the GALNT12 protein (p.Val560Ile). This variant is present in population databases (rs752958995, gnomAD 0.006%). This variant has not been reported in the literature in individuals affected with GALNT12-related conditions. ClinVar contains an entry for this variant (Variation ID: 410573). Invitae Evidence Modeling of protein sequence and biophysical properties (such as structural, functional, and spatial information, amino acid conservation, physicochemical variation, residue mobility, and thermodynamic stability) indicates that this missense variant is not expected to disrupt GALNT12 protein function with a negative predictive value of 80%. In summary, the available evidence is currently insufficient to determine the role of this variant in disease. Therefore, it has been classified as a Variant of Uncertain Significance.